The following is an entry in ClinVar:

ClinVar aggregate classification (germline): Uncertain significance (1 of 4 stars; one submission).

Conditions:
EGFR-related lung cancer (EGFR). Identifiers: MedGen CN130014.

Allele frequency attached by ClinVar (database versions not stated): gnomAD exomes below 0.00001 and 0.00001; ExAC 0.00001.
gnomAD v4.1: 5 of 1,614,214 alleles (0.00031%); highest among the groups gnomAD compares: Non-Finnish European, 0.00025%; no homozygotes.

Submission:

Labcorp Genetics (formerly Invitae), Labcorp
Classification: Uncertain significance for EGFR-related lung cancer. Last evaluated: 2022-04-26. Review status: criteria provided, single submitter. Criteria: Invitae Variant Classification Sherloc (09022015). Collection method: clinical testing. Allele origin: germline.
Comment: In summary, the available evidence is currently insufficient to determine the role of this variant in disease. Therefore, it has been classified as a Variant of Uncertain Significance. Algorithms developed to predict the effect of missense changes on protein structure and function are either unavailable or do not agree on the potential impact of this missense change (SIFT: "Deleterious"; PolyPhen-2: "Probably Damaging"; Align-GVGD: "Class C0"). ClinVar contains an entry for this variant (Variation ID: 1006618). This variant has not been reported in the literature in individuals affected with EGFR-related conditions. This variant is present in population databases (rs750399097, gnomAD 0.009%). This sequence change replaces leucine, which is neutral and non-polar, with phenylalanine, which is neutral and non-polar, at codon 90 of the EGFR protein (p.Leu90Phe).

NM_005228.5(EGFR):c.268C>T (p.Leu90Phe)

Gene: EGFR (epidermal growth factor receptor; plus strand). Cytogenetic location: 7p11.2.
Variant type: single nucleotide variant.
Coding change: c.268C>T on transcript NM_005228.5 (MANE Select); coding-DNA position 268, C replaced by T.
Protein change: p.Leu90Phe; replaces leucine 90 with phenylalanine.
Molecular consequence: missense variant. On other transcripts: intron variant (1).
Genome position (GRCh38, 1-based): chr7:55,143,332, C>T. VCF-style: chr7-55143332-C-T. GRCh37 (hg19) VCF-style: chr7-55211025-C-T.
Other names: c.268C>T, p.Leu90Phe (NM_001346897.2, NM_001346898.2, NM_001346899.2 and 3 more transcripts); c.109C>T, p.Leu37Phe (NM_001346900.2); c.89-12498C>T (NM_001346941.2); short protein forms L37F, L90F.
Identifiers: ClinVar variation 1006618 (VCV001006618.8), dbSNP rs750399097, ClinGen allele CA4265170.
Genomic context (GRCh38, chr7:55,143,332, plus strand): 5'-GAGAAATCACGCATTTATGTTTTCTCTTCTTAGACCATCCAGGAGGTGGCTGGTTATGTC[C>T]TCATTGCCCTCAACACAGTGGAGCGAATTCCTTTGGAAAACCTGCAGATCATCAGAGGAA-3'
Protein context (NP_005219.2, residues 80-100): KTIQEVAGYV[Leu90Phe]IALNTVERIP